The following is an entry in ClinVar:

NM_014254.3(RXYLT1):c.436A>G (p.Thr146Ala)

Gene: RXYLT1 (ribitol xylosyltransferase 1; plus strand). Cytogenetic location: 12q14.2.
Variant type: single nucleotide variant.
Coding change: c.436A>G on transcript NM_014254.3 (MANE Select); coding-DNA position 436, A replaced by G.
Protein change: p.Thr146Ala; replaces threonine 146 with alanine.
Molecular consequence: missense variant. On other transcripts: 5 prime UTR variant (1).
Genome position (GRCh38, 1-based): chr12:63,802,098, A>G. VCF-style: chr12-63802098-A-G. GRCh37 (hg19) VCF-style: chr12-64195878-A-G.
Other names: c.-345A>G (NM_001278237.2); short protein forms T146A.
Identifiers: ClinVar variation 2178647 (VCV002178647.1), dbSNP rs1056643344, ClinGen allele CA238830218.

ClinVar aggregate classification (germline): Uncertain significance (1 of 4 stars; one submission).

Allele frequency attached by ClinVar (database versions not stated): gnomAD 0.00001; TOPMed 0.00002.

Submission:

Labcorp Genetics (formerly Invitae), Labcorp
Classification: Uncertain significance. Last evaluated: 2022-08-10. Review status: criteria provided, single submitter. Criteria: Invitae Variant Classification Sherloc (09022015). Collection method: clinical testing. Allele origin: germline.
Comment: This sequence change replaces threonine, which is neutral and polar, with alanine, which is neutral and non-polar, at codon 146 of the RXYLT1 protein (p.Thr146Ala). This variant is present in population databases (no rsID available, gnomAD 0.01%). This variant has not been reported in the literature in individuals affected with RXYLT1-related conditions. Algorithms developed to predict the effect of missense changes on protein structure and function (SIFT, PolyPhen-2, Align-GVGD) all suggest that this variant is likely to be disruptive. In summary, the available evidence is currently insufficient to determine the role of this variant in disease. Therefore, it has been classified as a Variant of Uncertain Significance.